The following is an entry in ClinVar:

NM_015100.4(POGZ):c.787C>G (p.Gln263Glu)

Gene: POGZ (pogo transposable element derived with ZNF domain; minus strand). Cytogenetic location: 1q21.3.
Variant type: single nucleotide variant.
Coding change: c.787C>G on transcript NM_015100.4 (MANE Select); coding-DNA position 787, C replaced by G.
Protein change: p.Gln263Glu; replaces glutamine 263 with glutamic acid.
Molecular consequence: missense variant.
Genome position (GRCh38, 1-based): chr1:151,428,195, G>C on the plus strand (C>G on the coding strand, the complement: POGZ is on the minus strand). VCF-style: chr1-151428195-G-C. GRCh37 (hg19) VCF-style: chr1-151400671-G-C.
Other names: c.787C>G, p.Gln263Glu (NM_001194937.2); c.628C>G, p.Gln210Glu (NM_001194938.2, NM_207171.2); c.502C>G, p.Gln168Glu (NM_145796.4); short protein forms Q210E, Q168E, Q263E.
Identifiers: ClinVar variation 1032658 (VCV001032658.1), dbSNP rs1658090172, ClinGen allele CA341977346.

ClinVar aggregate classification (germline): Uncertain significance (1 of 4 stars; one submission).

Conditions:
Intellectual disability-microcephaly-strabismus-behavioral abnormalities syndrome. Also called: White-Sutton Syndrome. Identifiers: Orphanet 468678, MedGen C4225351, MONDO:0014606, OMIM 616364.

Allele frequency attached by ClinVar (database versions not stated): TOPMed below 0.00001.

Submission:

Baylor Genetics
Classification: Uncertain significance for Intellectual disability-microcephaly-strabismus-behavioral abnormalities syndrome. Last evaluated: 2018-05-24. Review status: criteria provided, single submitter. Criteria: ACMG Guidelines, 2015. Collection method: clinical testing. Allele origin: maternal. Affected: yes.
Comment: This variant was determined to be of uncertain significance according to ACMG Guidelines, 2015 [PMID:25741868].